The following is an entry in ClinVar:

ClinVar aggregate classification (germline): Uncertain significance (1 of 4 stars; one submission).

Conditions:
Combined immunodeficiency due to LRBA deficiency. Also called: Common variable immunodeficiency 8, with autoimmunity. Identifiers: Orphanet 445018, MedGen C3553512, MONDO:0013863, OMIM 614700.

Submission:

Labcorp Genetics (formerly Invitae), Labcorp
Classification: Uncertain significance for Combined immunodeficiency due to LRBA deficiency. Last evaluated: 2021-11-23. Review status: criteria provided, single submitter. Criteria: Invitae Variant Classification Sherloc (09022015). Collection method: clinical testing. Allele origin: germline.
Comment: This sequence change replaces arginine, which is basic and polar, with serine, which is neutral and polar, at codon 857 of the LRBA protein (p.Arg857Ser). This variant is not present in population databases (gnomAD no frequency). This variant has not been reported in the literature in individuals affected with LRBA-related conditions. Algorithms developed to predict the effect of missense changes on protein structure and function are either unavailable or do not agree on the potential impact of this missense change (SIFT: "Tolerated"; PolyPhen-2: "Probably Damaging"; Align-GVGD: "Class C0"). In summary, the available evidence is currently insufficient to determine the role of this variant in disease. Therefore, it has been classified as a Variant of Uncertain Significance.

NM_001364905.1(LRBA):c.2571G>C (p.Arg857Ser)

Gene: LRBA (LPS responsive beige-like anchor protein; minus strand). Cytogenetic location: 4q31.3.
Variant type: single nucleotide variant.
Coding change: c.2571G>C on transcript NM_001364905.1 (MANE Select); coding-DNA position 2571, G replaced by C.
Protein change: p.Arg857Ser; replaces arginine 857 with serine.
Molecular consequence: missense variant.
Genome position (GRCh38, 1-based): chr4:150,868,184, C>G on the plus strand (G>C on the coding strand, the complement: LRBA is on the minus strand). VCF-style: chr4-150868184-C-G. GRCh37 (hg19) VCF-style: chr4-151789336-C-G.
Other names: c.2571G>C, p.Arg857Ser (NM_006726.5, NM_001199282.3, NM_001367550.1); short protein forms R857S.
Identifiers: ClinVar variation 1392793 (VCV001392793.6), dbSNP rs2126990047, ClinGen allele CA358465155.